The following is an entry in ClinVar:

ClinVar aggregate classification (germline): Uncertain significance (1 of 4 stars; one submission).

Submission:

Labcorp Genetics (formerly Invitae), Labcorp
Classification: Uncertain significance. Last evaluated: 2022-08-22. Review status: criteria provided, single submitter. Criteria: Invitae Variant Classification Sherloc (09022015). Collection method: clinical testing. Allele origin: germline.
Comment: In summary, the available evidence is currently insufficient to determine the role of this variant in disease. Therefore, it has been classified as a Variant of Uncertain Significance. Advanced modeling of protein sequence and biophysical properties (such as structural, functional, and spatial information, amino acid conservation, physicochemical variation, residue mobility, and thermodynamic stability) performed at Invitae indicates that this missense variant is not expected to disrupt LRP2 protein function. This variant has not been reported in the literature in individuals affected with LRP2-related conditions. This variant is not present in population databases (gnomAD no frequency). This sequence change replaces asparagine, which is neutral and polar, with aspartic acid, which is acidic and polar, at codon 4332 of the LRP2 protein (p.Asn4332Asp).

NM_004525.3(LRP2):c.12994A>G (p.Asn4332Asp)

Gene: LRP2 (LDL receptor related protein 2; minus strand). Cytogenetic location: 2q31.1.
Variant type: single nucleotide variant.
Coding change: c.12994A>G on transcript NM_004525.3 (MANE Select); coding-DNA position 12994, A replaced by G.
Protein change: p.Asn4332Asp; replaces asparagine 4332 with aspartic acid.
Molecular consequence: missense variant.
Genome position (GRCh38, 1-based): chr2:169,142,788, T>C on the plus strand (A>G on the coding strand, the complement: LRP2 is on the minus strand). VCF-style: chr2-169142788-T-C. GRCh37 (hg19) VCF-style: chr2-169999298-T-C.
Other names: short protein forms N4332D.
Identifiers: ClinVar variation 1717724 (VCV001717724.5), dbSNP rs2545654128, ClinGen allele CA349125417.